The following is an entry in ClinVar:

NM_014049.5(ACAD9):c.737T>C (p.Ile246Thr)

Gene: ACAD9 (acyl-CoA dehydrogenase family member 9; plus strand). Cytogenetic location: 3q21.3.
Variant type: single nucleotide variant.
Coding change: c.737T>C on transcript NM_014049.5 (MANE Select); coding-DNA position 737, T replaced by C.
Protein change: p.Ile246Thr; replaces isoleucine 246 with threonine.
Molecular consequence: missense variant. On other transcripts: non-coding transcript variant (1).
Genome position (GRCh38, 1-based): chr3:128,899,390, T>C. VCF-style: chr3-128899390-T-C. GRCh37 (hg19) VCF-style: chr3-128618233-T-C.
Other names: c.368T>C, p.Ile123Thr (NM_001410805.1); short protein forms I123T, I246T.
Identifiers: ClinVar variation 3366723 (VCV003366723.2).
Genomic context (GRCh38, chr3:128,899,390, plus strand): 5'-TTGCAAAGACTGAGGTCGTTGATTCTGATGGATCAGTGAAAGACAAAATCACAGCATTCA[T>C]AGTAGAAAGAGACTTTGGTGGAGTCACTAATGGGAAACCCGAAGATAAATTAGGCATTCG-3'
Protein context (NP_054768.2, residues 236-256): GSVKDKITAF[Ile246Thr]VERDFGGVTN

ClinVar aggregate classification (germline): Uncertain significance. Review status: criteria provided, multiple submitters, no conflicts (2 of 4 stars). 2 submissions from 2 submitters: Uncertain significance (2). Last evaluated 2024-08-19.

gnomAD v4.1: 2 of 1,614,260 alleles (0.00012%); highest among the groups gnomAD compares: Non-Finnish European, 0.00017%; no homozygotes.

Submissions (2):

Women's Health and Genetics/Laboratory Corporation of America, LabCorp
Classification: Uncertain significance. Last evaluated: 2024-08-19. Review status: criteria provided, single submitter. Criteria: LabCorp Variant Classification Summary - May 2015. Collection method: clinical testing. Allele origin: germline.
Comment: Variant summary: ACAD9 c.737T>C (p.Ile246Thr) results in a non-conservative amino acid change located in the Acyl-CoA oxidase/dehydrogenase, middle domain (IPR006091) of the encoded protein sequence. Five of five in-silico tools predict a damaging effect of the variant on protein function. The variant was absent in 251476 control chromosomes. The available data on variant occurrences in the general population are insufficient to allow any conclusion about variant significance. c.737T>C has been reported in the literature in at least one compound heterozygous individual affected with Mitochondrial Complex I Deficiency, Nuclear Type 20 (e.g. Barbosa-Gouveia_2021). These data do not currently allow any conclusion about variant significance. To our knowledge, no experimental evidence demonstrating an impact on protein function has been reported. The following publication has been ascertained in the context of this evaluation (PMID: 34440436). No submitters have cited clinical-significance assessments for this variant to ClinVar. Based on the evidence outlined above, the variant was classified as uncertain significance.

Blueprint Genetics
Classification: Uncertain significance. Last evaluated: 2020-02-06. Review status: criteria provided, single submitter. Criteria: ACMG Guidelines, 2015. Collection method: clinical testing. Allele origin: germline.

Literature cited by the submitters: PubMed 34440436 (cited by Women's Health and Genetics/Laboratory Corporation of America, LabCorp).